The following is an entry in ClinVar:

ClinVar aggregate classification (germline): Uncertain significance. Review status: criteria provided, multiple submitters, no conflicts (2 of 4 stars). 5 submissions from 5 submitters: Uncertain significance (5). Last evaluated 2025-11-16.

Conditions:
MYLK-related disorder. Also called: MYLK-related condition.
Aortic aneurysm, familial thoracic 7 (AAT7). Also called: AORTIC DISSECTION, FAMILIAL, WITH OR WITHOUT AORTIC ANEURYSM. Identifiers: MedGen C3151077, MONDO:0013418, OMIM 613780.
Familial thoracic aortic aneurysm and aortic dissection (TAAD). Also called: Thoracic aortic aneurysms and dissections. Identifiers: Orphanet 91387, MedGen C4707243, MONDO:0019625.

Allele frequency attached by ClinVar (database versions not stated): gnomAD 0.00003; TOPMed 0.00003; gnomAD exomes 0.00006 and 0.00008; ExAC 0.00007; ESP Exome Variant Server 0.00015.
gnomAD v4.1: 119 of 1,613,918 alleles (0.0074%); highest among the groups gnomAD compares: Non-Finnish European, 0.0094%; no homozygotes.

Submissions (5):

PreventionGenetics, part of Exact Sciences
Classification: Uncertain significance for MYLK-related condition. Last evaluated: 2025-11-16. Review status: criteria provided, single submitter. Criteria: ACMG Guidelines, 2015. Collection method: clinical testing. Allele origin: germline.
Comment: The MYLK c.1957G>A variant is predicted to result in the amino acid substitution p.Glu653Lys. To our knowledge, this variant has not been reported in the literature. This variant is reported in 0.012% of alleles in individuals of European (Non-Finnish) descent in gnomAD. At this time, the clinical significance of this variant is uncertain due to the absence of conclusive functional and genetic evidence.

Labcorp Genetics (formerly Invitae), Labcorp
Classification: Uncertain significance for Aortic aneurysm, familial thoracic 7. Last evaluated: 2024-12-10. Review status: criteria provided, single submitter. Criteria: Invitae Variant Classification Sherloc (09022015). Collection method: clinical testing. Allele origin: germline.
Comment: This sequence change replaces glutamic acid, which is acidic and polar, with lysine, which is basic and polar, at codon 653 of the MYLK protein (p.Glu653Lys). This variant is present in population databases (rs142765858, gnomAD 0.01%). This variant has not been reported in the literature in individuals affected with MYLK-related conditions. ClinVar contains an entry for this variant (Variation ID: 520001). Invitae Evidence Modeling of protein sequence and biophysical properties (such as structural, functional, and spatial information, amino acid conservation, physicochemical variation, residue mobility, and thermodynamic stability) indicates that this missense variant is not expected to disrupt MYLK protein function with a negative predictive value of 80%. In summary, the available evidence is currently insufficient to determine the role of this variant in disease. Therefore, it has been classified as a Variant of Uncertain Significance.

GeneDx
Classification: Uncertain significance. Last evaluated: 2024-09-30. Review status: criteria provided, single submitter. Criteria: GeneDx Variant Classification Process June 2021. Collection method: clinical testing. Allele origin: germline. Affected: yes.
Comment: In silico analysis indicates that this missense variant does not alter protein structure/function; Has not been previously published as pathogenic or benign to our knowledge

Ambry Genetics
Classification: Uncertain significance for Familial thoracic aortic aneurysm and aortic dissection. Last evaluated: 2024-07-29. Review status: criteria provided, single submitter. Criteria: Ambry Variant Classification Scheme 2023. Collection method: clinical testing. Allele origin: germline.
Comment: The p.E653K variant (also known as c.1957G>A), located in coding exon 12 of the MYLK gene, results from a G to A substitution at nucleotide position 1957. The glutamic acid at codon 653 is replaced by lysine, an amino acid with similar properties. This amino acid position is highly conserved in available vertebrate species. In addition, this alteration is predicted to be tolerated by in silico analysis. Since supporting evidence is limited at this time, the clinical significance of this alteration remains unclear.

CHEO Genetics Diagnostic Laboratory, Children's Hospital of Eastern Ontario
Classification: Uncertain significance for Familial thoracic aortic aneurysm and aortic dissection. Last evaluated: 2016-07-29. Review status: criteria provided, single submitter. Criteria: ACMG Guidelines, 2015. Collection method: clinical testing. Allele origin: germline. Study: Canadian Open Genetics Repository.

NM_053025.4(MYLK):c.1957G>A (p.Glu653Lys)

Gene: MYLK (myosin light chain kinase; minus strand). Cytogenetic location: 3q21.1.
Variant type: single nucleotide variant.
Coding change: c.1957G>A on transcript NM_053025.4 (MANE Select); coding-DNA position 1957, G replaced by A.
Protein change: p.Glu653Lys; replaces glutamic acid 653 with lysine.
Molecular consequence: missense variant.
Genome position (GRCh38, 1-based): chr3:123,708,881, C>T on the plus strand (G>A on the coding strand, the complement: MYLK is on the minus strand). VCF-style: chr3-123708881-C-T. GRCh37 (hg19) VCF-style: chr3-123427728-C-T.
Other names: c.1429G>A, p.Glu477Lys (NM_001321309.2); c.1750G>A, p.Glu584Lys (NM_053026.4, NM_053028.4); c.1957G>A, p.Glu653Lys (NM_053027.4); short protein forms E653K, E477K, E584K.
Identifiers: ClinVar variation 520001 (VCV000520001.57), dbSNP rs142765858, ClinGen allele CA067893.
Genomic context (GRCh38, chr3:123,708,881, plus strand): 5'-GTTCAAAGTGGAAGTCCTCTGACTCTTGGATCTCATTCCCATTGTGCAGCCAGATGACTT[C>T]AGGGGGTGGATTCCCTGAACCAGGAGGAGGGGAAGGGGGATTGGTTAGGGAGGTCCTCCC-3'
Protein context (NP_444253.3, residues 643-663): TVQVSGNPPP[Glu653Lys]VIWLHNGNEI